The following is an entry in ClinVar:

ClinVar aggregate classification (germline): Conflicting classifications of pathogenicity. Review status: criteria provided, conflicting classifications (1 of 4 stars). 7 submissions from 7 submitters: Pathogenic (1); Likely pathogenic (5); Uncertain significance (1). Last evaluated 2026-04-30.

Conditions:
Cystic fibrosis (CF). Also called: MUCOVISCIDOSIS. Identifiers: Orphanet 586, MedGen C0010674, MONDO:0009061, OMIM 219700. Disease mechanism: loss of function.

Allele frequency attached by ClinVar (database versions not stated): gnomAD 0.00001; TOPMed below 0.00001.
gnomAD v4.1: 1 of 1,613,688 alleles (0.000062%); highest among the groups gnomAD compares: Non-Finnish European, 0.000085%; no homozygotes.

Submissions (7):

Women's Health and Genetics/Laboratory Corporation of America, LabCorp
Classification: Likely pathogenic for Cystic fibrosis. Last evaluated: 2026-04-30. Review status: criteria provided, single submitter. Criteria: LabCorp Variant Classification Summary - May 2015. Collection method: clinical testing. Allele origin: germline.
Comment: Variant summary: CFTR c.410T>C (p.Leu137Pro) results in a non-conservative amino acid change located in the ABC transporter type 1, transmembrane domain (IPR011527) of the encoded protein sequence. Algorithms developed to predict the effect of missense changes on protein structure and function all suggest that this variant is likely to be disruptive. The variant was absent in 250744 control chromosomes. c.410T>C has been observed in individuals affected with Cystic Fibrosis (Kanavakis_2003, daSilvaFilho_2021). These report(s) do not provide unequivocal conclusions about association of the variant with Cystic Fibrosis. At least one publication reports experimental evidence evaluating an impact on protein function. The most pronounced variant effect results in approximately 2% of normal chloride channel conductance relative to wild type (Bihler_2024). The following publications have been ascertained in the context of this evaluation (PMID: 12752573, 19236881, 32819855, 38388235). ClinVar contains an entry for this variant (Variation ID: 582298). Based on the evidence outlined above, the variant was classified as likely pathogenic.

Labcorp Genetics (formerly Invitae), Labcorp
Classification: Likely pathogenic for Cystic fibrosis. Last evaluated: 2025-08-15. Review status: criteria provided, single submitter. Criteria: Invitae Variant Classification Sherloc (09022015). Collection method: clinical testing. Allele origin: germline.
Comment: This sequence change replaces leucine, which is neutral and non-polar, with proline, which is neutral and non-polar, at codon 137 of the CFTR protein (p.Leu137Pro). This variant is not present in population databases (gnomAD no frequency). This missense change has been observed in individuals with cystic fibrosis (PMID: 12752573, 32819855). ClinVar contains an entry for this variant (Variation ID: 582298). Invitae Evidence Modeling of protein sequence and biophysical properties (such as structural, functional, and spatial information, amino acid conservation, physicochemical variation, residue mobility, and thermodynamic stability) indicates that this missense variant is expected to disrupt CFTR protein function with a positive predictive value of 80%. Experimental studies have shown that this missense change affects CFTR function (PMID: 38388235). In summary, the currently available evidence indicates that the variant is pathogenic, but additional data are needed to prove that conclusively. Therefore, this variant has been classified as Likely Pathogenic.

GeneDx
Classification: Likely pathogenic. Last evaluated: 2025-06-25. Review status: criteria provided, single submitter. Criteria: GeneDx Variant Classification Process June 2021. Collection method: clinical testing. Allele origin: germline. Affected: yes.
Comment: Published functional studies suggest a damaging effect on chloride channel activity and protein maturation rate as severe CF-causing variants (PMID: 38388235); In silico analysis supports that this missense variant has a deleterious effect on protein structure/function; Not observed at significant frequency in large population cohorts (gnomAD); This variant is associated with the following publications: (PMID: 19236881, 25192979, 32819855, 32357917, 12752573, 38388235)

Ambry Genetics
Classification: Likely pathogenic for Cystic fibrosis. Last evaluated: 2024-11-09. Review status: criteria provided, single submitter. Criteria: Ambry Variant Classification Scheme 2023. Collection method: clinical testing. Allele origin: germline.
Comment: The p.L137P variant (also known as c.410T>C), located in coding exon 4 of the CFTR gene, results from a T to C substitution at nucleotide position 410. The leucine at codon 137 is replaced by proline, an amino acid with similar properties. In a cohort of 437 unrelated Greek individuals with cystic fibrosis, this variant was detected twice (Kanavakis E et al. Clin. Genet., 2003 May;63:400-9). In an assay testing CFTR function, this variant showed a functionally abnormal result (Bihler H et al. J Cyst Fibros, 2024 Jul;23:664-675). This amino acid position is highly conserved in available vertebrate species. In addition, this alteration is predicted to be deleterious by in silico analysis. This variant is considered to be rare based on population cohorts in the Genome Aggregation Database (gnomAD). Based on the majority of available evidence to date, this variant is likely to be pathogenic.

Institute of Human Genetics, University of Leipzig Medical Center
Classification: Likely pathogenic for Cystic fibrosis. Last evaluated: 2022-09-05. Review status: criteria provided, single submitter. Criteria: ACMG Guidelines, 2015. Collection method: curation. Allele origin: unknown. Affected: yes. Observed: 1 variant allele.
Comment: The variant was classified in the context of a project re-classifying variants in the German Cystic Fibrosis Registry (Muko.e.V.). Criteria applied: PM2_SUP, PM3, PM5_STR, PP3, PP4

Genome-Nilou Lab
Classification: Uncertain significance for Cystic fibrosis. Last evaluated: 2021-07-22. Review status: criteria provided, single submitter. Criteria: ACMG Guidelines, 2015. Collection method: clinical testing. Allele origin: germline. Affected: no.

Mendelics
Classification: Pathogenic for Cystic fibrosis. Last evaluated: 2018-11-05. Review status: criteria provided, single submitter. Criteria: Mendelics Assertion Criteria 2017. Collection method: clinical testing. Allele origin: unknown. Affected: yes.

Literature cited by the submitters: PubMed 12752573 (cited by 3 submitters); PubMed 19236881 (cited by Women's Health and Genetics/Laboratory Corporation of America, LabCorp); PubMed 32819855 (cited by Women's Health and Genetics/Laboratory Corporation of America, LabCorp and Labcorp Genetics (formerly Invitae), Labcorp); PubMed 38388235 (cited by 3 submitters).

NM_000492.4(CFTR):c.410T>C (p.Leu137Pro)

Gene: CFTR (CF transmembrane conductance regulator; plus strand). Cytogenetic location: 7q31.2.
Variant type: single nucleotide variant.
Coding change: c.410T>C on transcript NM_000492.4 (MANE Select); coding-DNA position 410, T replaced by C.
Protein change: p.Leu137Pro; replaces leucine 137 with proline.
Molecular consequence: missense variant.
Genome position (GRCh38, 1-based): chr7:117,531,035, T>C. VCF-style: chr7-117531035-T-C. GRCh37 (hg19) VCF-style: chr7-117171089-T-C.
Other names: short protein forms L137P.
Identifiers: ClinVar variation 582298 (VCV000582298.17), dbSNP rs397508674, ClinGen allele CA164943766.